The following is an entry in ClinVar:

NM_138459.5(NUS1):c.16G>C (p.Glu6Gln)

Gene: NUS1 (NUS1 dehydrodolichyl diphosphate synthase subunit; plus strand). Cytogenetic location: 6q22.1.
Variant type: single nucleotide variant.
Coding change: c.16G>C on transcript NM_138459.5 (MANE Select); coding-DNA position 16, G replaced by C.
Protein change: p.Glu6Gln; replaces glutamic acid 6 with glutamine.
Molecular consequence: missense variant.
Genome position (GRCh38, 1-based): chr6:117,675,686, G>C. VCF-style: chr6-117675686-G-C. GRCh37 (hg19) VCF-style: chr6-117996849-G-C.
Other names: c.16G>C (NM_138459.3); short protein forms E6Q.
Identifiers: ClinVar variation 1342502 (VCV001342502.6), dbSNP rs1374617888, ClinGen allele CA365535724.
Genomic context (GRCh38, chr6:117,675,686, plus strand): 5'-GGGAGTGGGCGGGAGGGAGAGGGGGTGTCTGAGGGCCACAAGAGTATGACGGGGCTGTAC[G>C]AGCTGGTGTGGCGGGTGCTGCACGCGCTGCTCTGTCTGCACCGCACGCTCACCTCCTGGC-3'
Protein context (NP_612468.1, residues 1-16): MTGLY[Glu6Gln]LVWRVLHALL

ClinVar aggregate classification (germline): Uncertain significance. Review status: criteria provided, multiple submitters, no conflicts (2 of 4 stars). 4 submissions from 4 submitters: Uncertain significance (4). Last evaluated 2025-08-22.

Conditions:
Inborn genetic diseases. Identifiers: MedGen C0950123, MeSH D030342.
Congenital disorder of glycosylation, type Iaa. Also called: Congenital disorder of glycosylation, type 1aa. Identifiers: MedGen C4310727, MONDO:0014904, OMIM 617082.
Intellectual developmental disorder, autosomal dominant 55, with seizures. Also called: MENTAL RETARDATION, AUTOSOMAL DOMINANT 55, WITH SEIZURES; Intellectual disability, autosomal dominant 55, with seizures. Identifiers: MedGen C4693371, MONDO:0030921, OMIM 617831.

Allele frequency attached by ClinVar (database versions not stated): gnomAD 0.00001.

Submissions (4):

Labcorp Genetics (formerly Invitae), Labcorp
Classification: Uncertain significance for Congenital disorder of glycosylation, type Iaa. Last evaluated: 2025-08-22. Review status: criteria provided, single submitter. Criteria: Invitae Variant Classification Sherloc (09022015). Collection method: clinical testing. Allele origin: germline.
Comment: This sequence change replaces glutamic acid, which is acidic and polar, with glutamine, which is neutral and polar, at codon 6 of the NUS1 protein (p.Glu6Gln). This variant is not present in population databases (gnomAD no frequency). This variant has not been reported in the literature in individuals affected with NUS1-related conditions. ClinVar contains an entry for this variant (Variation ID: 1342502). An algorithm developed to predict the effect of missense changes on protein structure and function (PolyPhen-2) suggests that this variant is likely to be disruptive. In summary, the available evidence is currently insufficient to determine the role of this variant in disease. Therefore, it has been classified as a Variant of Uncertain Significance.

Ambry Genetics
Classification: Uncertain significance for Inborn genetic diseases. Last evaluated: 2024-08-04. Review status: criteria provided, single submitter. Criteria: Ambry Variant Classification Scheme 2023. Collection method: clinical testing. Allele origin: germline.

Revvity Omics, Revvity
Classification: Uncertain significance. Last evaluated: 2024-06-04. Review status: criteria provided, single submitter. Criteria: ACMG Guidelines, 2015. Collection method: clinical testing. Allele origin: germline.

New York Genome Center
Classification: Uncertain significance for Intellectual developmental disorder, autosomal dominant 55, with seizures. Last evaluated: 2021-04-15. Review status: criteria provided, single submitter. Criteria: NYGC Assertion Criteria 2020. Collection method: clinical testing. Allele origin: inherited. Observed: 1 heterozygote. Study: CSER-NYCKidSeq.